The following is an entry in ClinVar:

NM_004656.4(BAP1):c.581G>A (p.Gly194Glu)

Gene: BAP1 (BRCA1 associated deubiquitinase 1; minus strand). Cytogenetic location: 3p21.1.
Variant type: single nucleotide variant.
Coding change: c.581G>A on transcript NM_004656.4 (MANE Select); coding-DNA position 581, G replaced by A.
Protein change: p.Gly194Glu; replaces glycine 194 with glutamic acid.
Molecular consequence: missense variant.
Genome position (GRCh38, 1-based): chr3:52,406,907, C>T on the plus strand (G>A on the coding strand, the complement: BAP1 is on the minus strand). VCF-style: chr3-52406907-C-T. GRCh37 (hg19) VCF-style: chr3-52440923-C-T.
Other names: c.581G>A, p.Gly194Glu (NM_001410772.1); short protein forms G194E.
Identifiers: ClinVar variation 3730116 (VCV003730116.2).

ClinVar aggregate classification (germline): Uncertain significance (1 of 4 stars; one submission).

Conditions:
BAP1-related tumor predisposition syndrome (TPDS1). Also called: Tumor susceptibility linked to germline BAP1 mutations; COMMON Syndrome; TUMOR PREDISPOSITION SYNDROME 1; BAP1 tumor predisposition syndrome. Identifiers: Orphanet 289539, MedGen C3280492, MONDO:0013692, OMIM 614327.

Submission:

Labcorp Genetics (formerly Invitae), Labcorp
Classification: Uncertain significance for BAP1-related tumor predisposition syndrome. Last evaluated: 2024-05-07. Review status: criteria provided, single submitter. Criteria: Invitae Variant Classification Sherloc (09022015). Collection method: clinical testing. Allele origin: germline.
Comment: This sequence change replaces glycine, which is neutral and non-polar, with glutamic acid, which is acidic and polar, at codon 194 of the BAP1 protein (p.Gly194Glu). This variant is not present in population databases (gnomAD no frequency). This variant has not been reported in the literature in individuals affected with BAP1-related conditions. An algorithm developed to predict the effect of missense changes on protein structure and function (PolyPhen-2) suggests that this variant is likely to be disruptive. In summary, the available evidence is currently insufficient to determine the role of this variant in disease. Therefore, it has been classified as a Variant of Uncertain Significance.